The following is an entry in ClinVar:

ClinVar aggregate classification (germline): Conflicting classifications of pathogenicity. Review status: criteria provided, conflicting classifications (1 of 4 stars). 2 submissions from 2 submitters: Uncertain significance (1); Likely benign (1). Last evaluated 2025-05-22.

Conditions:
EPILEPSY, CHILDHOOD ABSENCE, SUSCEPTIBILITY TO, 2 (ECA2). Identifiers: Orphanet 64280, MedGen C1843244, OMIM 607681.
Febrile seizures, familial, 8 (FEB8). Also called: CONVULSIONS, FAMILIAL FEBRILE, 8. Identifiers: Orphanet 36387, MedGen C1969810, MONDO:0011891, OMIM 607681.
GABRG2-related disorder. Also called: GABRG2-related condition.

Allele frequency attached by ClinVar (database versions not stated): TOPMed 0.00002; gnomAD 0.00003.
gnomAD v4.1: 7 of 1,613,772 alleles (0.00043%); highest among the groups gnomAD compares: African/African-American, 0.008%; no homozygotes.

Submissions (2):

Labcorp Genetics (formerly Invitae), Labcorp
Classification: Likely benign for Febrile seizures, familial, 8; EPILEPSY, CHILDHOOD ABSENCE, SUSCEPTIBILITY TO, 2. Last evaluated: 2025-05-22. Review status: criteria provided, single submitter. Criteria: Invitae Variant Classification Sherloc (09022015). Collection method: clinical testing. Allele origin: germline.

PreventionGenetics, part of Exact Sciences
Classification: Uncertain significance for GABRG2-related condition. Last evaluated: 2023-04-12. Review status: criteria provided, single submitter. Criteria: ACMG Guidelines, 2015. Collection method: clinical testing. Allele origin: germline.
Comment: The GABRG2 c.394A>T variant is predicted to result in the amino acid substitution p.Ile132Phe. To our knowledge, this variant has not been reported in the literature. This variant is reported in 0.012% of alleles in individuals of African descent in gnomAD. Although we suspect that this variant may be benign, at this time, the clinical significance of this variant is uncertain due to the absence of conclusive functional and genetic evidence.

NM_198904.4(GABRG2):c.394A>T (p.Ile132Phe)

Gene: GABRG2 (gamma-aminobutyric acid type A receptor subunit gamma2; plus strand). Cytogenetic location: 5q34.
Variant type: single nucleotide variant.
Coding change: c.394A>T on transcript NM_198904.4 (MANE Select); coding-DNA position 394, A replaced by T.
Protein change: p.Ile132Phe; replaces isoleucine 132 with phenylalanine.
Molecular consequence: missense variant. On other transcripts: 5 prime UTR variant (2).
Genome position (GRCh38, 1-based): chr5:162,097,704, A>T. VCF-style: chr5-162097704-A-T. GRCh37 (hg19) VCF-style: chr5-161524710-A-T.
Other names: c.394A>T, p.Ile132Phe (NM_000816.3, NM_001375340.1, NM_001375341.1 and 4 more transcripts); c.385A>T, p.Ile129Phe (NM_001375339.1); c.328A>T, p.Ile110Phe (NM_001375345.1, NM_001375346.1); c.307A>T, p.Ile103Phe (NM_001375347.1); c.-27A>T (NM_001375348.1, NM_001375350.1); c.109A>T, p.Ile37Phe (NM_001375349.1); short protein forms I132F, I103F, I110F, I129F, I37F.
Identifiers: ClinVar variation 953801 (VCV000953801.11), dbSNP rs752621588, ClinGen allele CA131111682.